The following is an entry in ClinVar:

ClinVar aggregate classification (germline): Benign. Review status: criteria provided, multiple submitters, no conflicts (2 of 4 stars). 3 submissions from 3 submitters: Benign (2). 1 of the submissions does not count toward it. Last evaluated 2026-02-03.

Conditions:
DSCAML1-related disorder. Also called: DSCAML1-related condition.

Allele frequency attached by ClinVar (database versions not stated): gnomAD exomes 0.06784; gnomAD 0.07801 and 0.07821; 1000 Genomes Project 0.08766; ExAC 0.06931; ESP Exome Variant Server 0.07973; 1000 Genomes Project 30x 0.09104; TOPMed 0.08123.
gnomAD v4.1: 93,708 of 1,612,664 alleles (5.8%); highest among the groups gnomAD compares: African/African-American, 13%; 3,311 homozygotes.

Submissions (3):

Labcorp Genetics (formerly Invitae), Labcorp
Classification: Benign. Last evaluated: 2026-02-03. Review status: criteria provided, single submitter. Criteria: Invitae Variant Classification Sherloc (09022015). Collection method: clinical testing. Allele origin: germline.

Breakthrough Genomics
Classification: Benign. Review status: criteria provided, single submitter. Criteria: ACMG Guidelines, 2015. Collection method: not provided. Allele origin: germline. Inheritance: Unknown mechanism. Affected: yes.

PreventionGenetics, part of Exact Sciences
Classification: Benign for DSCAML1-related condition. Last evaluated: 2020-01-08. Review status: no assertion criteria provided. Collection method: clinical testing. Allele origin: germline. Not counted in ClinVar's aggregate classification.
Comment: This variant is classified as benign based on ACMG/AMP sequence variant interpretation guidelines (Richards et al. 2015 PMID: 25741868, with internal and published modifications).

NM_020693.4(DSCAML1):c.1818C>T (p.Pro606=)

Gene: DSCAML1 (DS cell adhesion molecule like 1; minus strand). Cytogenetic location: 11q23.3.
Variant type: single nucleotide variant.
Coding change: c.1818C>T on transcript NM_020693.4 (MANE Select); coding-DNA position 1818, C replaced by T.
Protein change: p.Pro606=; no amino-acid change (proline 606 retained).
Molecular consequence: synonymous variant.
Genome position (GRCh38, 1-based): chr11:117,505,698, G>A on the plus strand (C>T on the coding strand, the complement: DSCAML1 is on the minus strand). VCF-style: chr11-117505698-G-A. GRCh37 (hg19) VCF-style: chr11-117376413-G-A.
Other names: c.1998C>T (NM_020693.3); c.1818C>T, p.Pro606= (NM_001367904.1).
Identifiers: ClinVar variation 1603611 (VCV001603611.11), dbSNP rs34138305, ClinGen allele CA6297160.